The following is an entry in ClinVar:

NM_004364.5(CEBPA):c.125del (p.Pro42fs)

Gene: CEBPA (CCAAT enhancer binding protein alpha; minus strand). Cytogenetic location: 19q13.11.
Variant type: Deletion.
Coding change: c.125del on transcript NM_004364.5 (MANE Select); coding-DNA position 125, one base deleted (C; older notation c.125delC).
Protein change: p.Pro42fs; shifts the reading frame from proline 42.
Molecular consequence: frameshift variant. On other transcripts: 5 prime UTR variant (1).
Genome position (GRCh38, 1-based): chr19:33,302,290, G deleted on the plus strand (C on the coding strand, the reverse complement: CEBPA is on the minus strand); the first of 2 consecutive G bases (chr19:33,302,290-33,302,291); deleting either gives the same sequence. VCF-style (leftmost placement, unchanged base first): chr19-33302289-AG-A. GRCh37 (hg19) VCF-style: chr19-33793195-AG-A.
Other names: c.-233del (NM_001285829.2); c.230del, p.Pro77fs (NM_001287424.2); c.83del, p.Pro28fs (NM_001287435.2); short protein forms P42fs, P28fs, P77fs.
Identifiers: ClinVar variation 1452019 (VCV001452019.7), dbSNP rs2145264339, ClinGen allele CA507007699.

ClinVar aggregate classification (germline): Pathogenic (1 of 4 stars; one submission).

Conditions:
Acute myeloid leukemia (AML). Also called: Leukemia, acute myeloid, somatic; Leukemia, acute myelogenous, somatic; Acute myeloid leukemia, adult; AML adult; Acute non-lymphocytic leukemia; Acute granulocytic leukemia. Identifiers: Orphanet 519, MedGen C0023467, MeSH D015470, MONDO:0018874, OMIM 601626, HP:0004808. Disease mechanism: Constitutively activated FLT3.

Submission:

Labcorp Genetics (formerly Invitae), Labcorp
Classification: Pathogenic for Acute myeloid leukemia. Last evaluated: 2021-12-15. Review status: criteria provided, single submitter. Criteria: Invitae Variant Classification Sherloc (09022015). Collection method: clinical testing. Allele origin: germline.
Comment: This sequence change creates a premature translational stop signal (p.Pro42Leufs*118) in the CEBPA gene. While this is not anticipated to result in nonsense mediated decay, it is expected to disrupt the last 317 amino acid(s) of the CEBPA protein. This variant is not present in population databases (gnomAD no frequency). This variant has not been reported in the literature in individuals affected with CEBPA-related conditions. This variant disrupts the production of the full length isoform (p42) of the CEBPA protein, which results in the preferential usage of an alternate downstream in-frame methionine at codon 120. Translation starting from this methionine results in a 30 kDa N-terminal truncated isoform of CEBPA that lacks the TAD1 domain, and has been shown to abrogate CEBPA function by acting as a dominant-negative allele (PMID: 11242107, 26162409, 11242107). While functional studies have not been performed to directly test the effect of this variant on CEBPA protein function, this suggests that disruption of this region of the protein is causative of disease. This variant disrupts the region of the CEBPA protein between codon 1 and 120. Other variants in this region have been observed in individuals with autosomal dominant CEBPA-related conditions (PMID: 11242107, 31867767, 32430494; Invitae), which suggests that this may be a clinically significant region of the protein. For these reasons, this variant has been classified as Pathogenic.

Literature cited by the submitters: PubMed 11242107; PubMed 26162409; PubMed 31867767; PubMed 32430494.